The following is an entry in ClinVar:

ClinVar aggregate classification (germline): Pathogenic. Review status: criteria provided, multiple submitters, no conflicts (2 of 4 stars). 2 submissions from 2 submitters: Pathogenic (2). Last evaluated 2026-07-21.

Conditions:
Hereditary cancer-predisposing syndrome. Also called: Hereditary Cancer Syndrome; Tumor predisposition; Neoplastic Syndromes, Hereditary; Hereditary neoplastic syndrome. Identifiers: Orphanet 140162, MedGen C0027672, MeSH D009386, MONDO:0015356.
Ataxia-telangiectasia syndrome (AT). Also called: Ataxia-telangiectasia, complementation group D; AT, COMPLEMENTATION GROUP C; ATAXIA-TELANGIECTASIA, COMPLEMENTATION GROUP A; ATAXIA-TELANGIECTASIA, FRESNO VARIANT; Ataxia-telangiectasia; Ataxia-telangiectasia, complementation group E. Identifiers: Orphanet 100, MedGen C0004135, MONDO:0008840, OMIM 208900.

Submissions (2):

Ambry Genetics
Classification: Pathogenic for Hereditary cancer-predisposing syndrome. Last evaluated: 2026-07-21. Review status: criteria provided, single submitter. Criteria: Ambry Variant Classification Scheme 2023. Collection method: clinical testing. Allele origin: germline.
Comment: The c.3442delT pathogenic mutation, located in coding exon 23 of the ATM gene, results from a deletion of one nucleotide at nucleotide position 3442, causing a translational frameshift with a predicted alternate stop codon (p.Y1148Ifs*8). This variant is considered to be rare based on population cohorts in the Genome Aggregation Database (gnomAD). This alteration is expected to result in loss of function by premature protein truncation or nonsense-mediated mRNA decay. As such, this alteration is interpreted as a disease-causing mutation.

Labcorp Genetics (formerly Invitae), Labcorp
Classification: Pathogenic for Ataxia-telangiectasia syndrome. Last evaluated: 2024-05-08. Review status: criteria provided, single submitter. Criteria: Invitae Variant Classification Sherloc (09022015). Collection method: clinical testing. Allele origin: germline.
Comment: This sequence change creates a premature translational stop signal (p.Tyr1148Ilefs*8) in the ATM gene. It is expected to result in an absent or disrupted protein product. Loss-of-function variants in ATM are known to be pathogenic (PMID: 23807571, 25614872). This variant is not present in population databases (gnomAD no frequency). This variant has not been reported in the literature in individuals affected with ATM-related conditions. ClinVar contains an entry for this variant (Variation ID: 1444109). Algorithms developed to predict the effect of sequence changes on RNA splicing suggest that this variant may disrupt the consensus splice site. For these reasons, this variant has been classified as Pathogenic.

Literature cited by the submitters: PubMed 23807571 (cited by Labcorp Genetics (formerly Invitae), Labcorp); PubMed 25614872 (cited by Labcorp Genetics (formerly Invitae), Labcorp).

NM_000051.4(ATM):c.3442del (p.Tyr1148fs)

Gene: ATM (ATM serine/threonine kinase; plus strand). Cytogenetic location: 11q22.3.
Variant type: Deletion.
Coding change: c.3442del on transcript NM_000051.4 (MANE Select); coding-DNA position 3442, one base deleted (T; older notation c.3442delT).
Protein change: p.Tyr1148fs; shifts the reading frame from tyrosine 1148.
Molecular consequence: frameshift variant.
Genome position (GRCh38, 1-based): chr11:108,281,034, T deleted; the last of 3 consecutive T bases (chr11:108,281,032-108,281,034); deleting any one gives the same sequence. VCF-style (leftmost placement, unchanged base first): chr11-108281031-AT-A. GRCh37 (hg19) VCF-style: chr11-108151758-AT-A.
Other names: c.3442del, p.Tyr1148fs (NM_001351834.2); c.3442delT (NM_000051.3); short protein forms Y1148fs.
Identifiers: ClinVar variation 1444109 (VCV001444109.7), dbSNP rs2135666319, ClinGen allele CA2573146461.